The following continues an entry in ClinVar:

NM_007294.4(BRCA1):c.213-12A>G

Gene: BRCA1. ClinVar aggregate classification (germline): Pathogenic. Pathogenic (1).

Submissions 9 to 29 of 33:

GeneDx
Classification: Pathogenic. Last evaluated: 2024-05-03. Review status: criteria provided, single submitter. Criteria: GeneDx Variant Classification Process June 2021. Collection method: clinical testing. Allele origin: germline. Affected: yes. Not counted in ClinVar's aggregate classification.
Comment: Non-canonical splice site variant demonstrated to result in loss-of-function (PMID: 9805131, 21735045); Observed in individuals with a personal and family history consistent with pathogenic variants in this gene (PMID: 9805131, 11802209, 18627636, 15024741, 23479189, 25863477); Not observed at significant frequency in large population cohorts (gnomAD); Multifactorial likelihood analysis suggests this variant is pathogenic (PMID: 31131967); Also known as 332-12A>G or IVS5-12A>G; This variant is associated with the following publications: (PMID: 15024741, 29053726, 21394499, 27836010, 28528518, 31492746, 11802209, 18627636, 23479189, 9805131, 24285858, 23164213, 25863477, 26681312, 26659639, 27221827, 28324225, 29360161, 28993434, 30702160, 30093976, 30875412, 31825140, 21735045, 31131967, 25971625, 24667779, 37239058, 29446198, 21147080, 21348412)

Clinical Genetics Laboratory, Skane University Hospital Lund
Classification: Pathogenic. Last evaluated: 2024-03-13. Review status: criteria provided, single submitter. Criteria: ACMG Guidelines, 2015. Collection method: clinical testing. Allele origin: germline. Affected: yes. Not counted in ClinVar's aggregate classification.

Baylor Genetics
Classification: Pathogenic for Breast-ovarian cancer, familial, susceptibility to, 1. Last evaluated: 2023-08-24. Review status: criteria provided, single submitter. Criteria: ACMG Guidelines, 2015. Collection method: clinical testing. Allele origin: unknown. Not counted in ClinVar's aggregate classification.

Mayo Clinic Laboratories, Mayo Clinic
Classification: Pathogenic. Last evaluated: 2023-01-27. Review status: criteria provided, single submitter. Criteria: ACMG Guidelines, 2015. Collection method: clinical testing. Allele origin: germline. Observed: 1 variant allele. Not counted in ClinVar's aggregate classification.
Comment: PP5, PM2, PS3, PS4_moderate

Institute of Human Genetics Munich, TUM University Hospital
Classification: Pathogenic for Breast-ovarian cancer, familial, susceptibility to, 1. Last evaluated: 2022-07-08. Review status: criteria provided, single submitter. Criteria: Classification criteria August 2017. Collection method: clinical testing. Allele origin: maternal. Inheritance: Autosomal dominant inheritance. Affected: yes. Observed: 1 variant allele. Not counted in ClinVar's aggregate classification.

Women's Health and Genetics/Laboratory Corporation of America, LabCorp
Classification: Pathogenic for Hereditary breast ovarian cancer syndrome. Last evaluated: 2022-04-23. Review status: criteria provided, single submitter. Criteria: LabCorp Variant Classification Summary - May 2015. Collection method: clinical testing. Allele origin: germline. Not counted in ClinVar's aggregate classification.
Comment: Variant summary: BRCA1 c.213-12A>G alters a non-conserved nucleotide located close to a canonical splice site and therefore could affect mRNA splicing, leading to a significantly altered protein sequence. Several computational tools predict a significant impact on normal splicing: Two predict the variant abolishes the canonical 3' splice acceptor site. Two predict the variant creates a new 3' acceptor site at position -12. At least one publication reports experimental evidence that this variant affects mRNA splicing by incorporation of 11 bases of intron 5 leading to a frameshift in the codon sequence (Hoffman_1998). The variant was absent in 250918 control chromosomes. c.213-12A>G has been reported in the literature in multiple individuals affected with Hereditary Breast And Ovarian Cancer Syndrome (example, Rebbeck_2018). These data indicate that the variant is very likely to be associated with disease. Multiple clinical diagnostic laboratories, an expert panel (ENIGMA) and a consortium (CIMBA) have submitted clinical-significance assessments for this variant to ClinVar after 2014. All submitters classified the variant as pathogenic. Based on the evidence outlined above, the variant was classified as pathogenic.

Fulgent Genetics
Classification: Pathogenic for Familial cancer of breast; Breast-ovarian cancer, familial, susceptibility to, 1; Pancreatic cancer, susceptibility to, 4; Fanconi anemia, complementation group S. Last evaluated: 2021-09-23. Review status: criteria provided, single submitter. Criteria: ACMG Guidelines, 2015. Collection method: clinical testing. Allele origin: unknown. Not counted in ClinVar's aggregate classification.

ARUP Laboratories, Molecular Genetics and Genomics, ARUP Laboratories
Classification: Pathogenic. Last evaluated: 2017-02-10. Review status: criteria provided, single submitter. Criteria: ARUP Molecular Germline Variant Investigation Process. Collection method: clinical testing. Allele origin: germline. Not counted in ClinVar's aggregate classification.

Laboratory for Molecular Medicine, Mass General Brigham Personalized Medicine
Classification: Pathogenic for Hereditary breast ovarian cancer syndrome. Last evaluated: 2016-01-19. Review status: criteria provided, single submitter. Criteria: LMM Criteria. Collection method: clinical testing. Allele origin: germline. Inheritance: Autosomal dominant inheritance. Observed: 1 variant allele. Not counted in ClinVar's aggregate classification.
Comment: The c.213-12A>G variant in BRCA1 has been reported in >25 individuals with BRCA1 -associated cancers and segregated with disease in 4 affected relatives from 2 f amilies (Dong 1998, Hoffman 1998, Meindl 2002, Thirthagiri 2008, Kast 2012, de J uan Jimenez 2013, Brohet 2014,Breast Cancer Information Core (BIC) database). Th is variant was absent from large population studies. In vitro functional studies provide evidence that the c.213-12A>G variant introduces a cryptic splice site, causing an additional 11 nucleotides to be retained and leading to a frameshift , which alters the protein?s amino acid sequence beginning at position 71 and le ads to a premature termination codon 21 amino acids downstream (Hoffman 1998, Me nendez 2012). This alteration is then predicted to lead to a truncated or absent protein. Heterozygous loss of function of the BRCA1 gene is an established dise ase mechanism in hereditary breast and ovarian cancer (HBOC). In summary, this v ariant meets our criteria to be classified as pathogenic for HBOC in an autosoma l dominant manner based upon segregation studies, absence from controls, and fun ctional evidence.

Consortium of Investigators of Modifiers of BRCA1/2 (CIMBA), c/o University of Cambridge
Classification: Pathogenic for Breast-ovarian cancer, familial, susceptibility to, 1. Last evaluated: 2015-10-02. Review status: criteria provided, single submitter. Criteria: CIMBA Mutation Classification guidelines May 2016. Collection method: clinical testing. Allele origin: germline. Not counted in ClinVar's aggregate classification.

Molecular Genetics Laboratory, University of Michigan
Classification: Pathogenic for Breast-ovarian cancer, familial, susceptibility to, 1. Last evaluated: 2014-11-03. Review status: criteria provided, single submitter. Criteria: ACMG Guidelines, 2015. Collection method: clinical testing. Allele origin: germline. Affected: yes. Not counted in ClinVar's aggregate classification.

PreventionGenetics, part of Exact Sciences
Classification: Pathogenic for BRCA1-related condition. Last evaluated: 2024-07-08. Review status: no assertion criteria provided. Collection method: clinical testing. Allele origin: germline. Not counted in ClinVar's aggregate classification.
Comment: The BRCA1 c.213-12A>G variant is predicted to interfere with splicing. This variant has been reported several times in patients and families with hereditary breast and ovarian cancer syndrome (HBOC) (Hoffman et al., 1998. PubMed ID: 9805131; de Juan Jiménez et al., 2013. PubMed ID: 23479189; Rebbeck et al., 2016. PubMed ID: 27836010; Susswein et al., 2016. PubMed ID: 26681312). The c.213-12A>G variant has been shown by RT-PCR to alter normal splicing of intron 5 (Hoffman et al., 1998. PubMed ID: 9805131; Menéndez et al., 2012. PubMed ID: 21735045). This variant has not been reported in the literature or in a large population database, indicating this variant is rare. This variant is interpreted as pathogenic in ClinVar. Therefore, this variant is interpreted as pathogenic.

BRCAlab, Lund University
Classification: Pathogenic for Breast-ovarian cancer, familial, susceptibility to, 1. Last evaluated: 2022-08-26. Review status: no assertion criteria provided. Collection method: clinical testing. Allele origin: germline. Affected: yes. Not counted in ClinVar's aggregate classification.

Molecular Oncology, Hospital Universitario Central de Asturias (HUCA)
Classification: Pathogenic for Breast-ovarian cancer, familial, susceptibility to, 1. Last evaluated: 2021-05-24. Review status: no assertion criteria provided. Collection method: case-control. Allele origin: germline. Affected: yes. Not counted in ClinVar's aggregate classification.

CZECANCA consortium
Classification: Pathogenic for Breast and/or ovarian cancer. Last evaluated: 2019-06-11. Review status: no assertion criteria provided. Collection method: clinical testing. Allele origin: germline. Affected: yes. Observed: 10 variant alleles. Not counted in ClinVar's aggregate classification.

German Consortium for Hereditary Breast and Ovarian Cancer, University Hospital Cologne
Classification: Pathogenic for Ovarian neoplasm. Last evaluated: 2018-12-01. Review status: no assertion criteria provided. Collection method: research. Allele origin: germline. Affected: yes. Not counted in ClinVar's aggregate classification.

Counsyl
Classification: Pathogenic for Breast-ovarian cancer, familial, susceptibility to, 1. Last evaluated: 2015-12-09. Review status: no assertion criteria provided. Collection method: clinical testing. Allele origin: unknown. Not counted in ClinVar's aggregate classification.

Research Molecular Genetics Laboratory, Women's College Hospital, University of Toronto
Classification: Pathogenic for Hereditary breast ovarian cancer syndrome. Last evaluated: 2014-01-31. Review status: no assertion criteria provided. Collection method: research. Allele origin: germline. Affected: yes. Study: The Canadian Open Genetics Repository (COGR). Not counted in ClinVar's aggregate classification.

Sharing Clinical Reports Project (SCRP)
Classification: Pathogenic for Breast-ovarian cancer, familial 1. Last evaluated: 2012-06-06. Review status: no assertion criteria provided. Collection method: clinical testing. Allele origin: germline. Not counted in ClinVar's aggregate classification.

Breast Cancer Information Core (BIC) (BRCA1)
Classification: Pathogenic for Breast-ovarian cancer, familial 1. Last evaluated: 1999-12-30. Review status: no assertion criteria provided. Collection method: clinical testing. Allele origin: germline. Affected: yes. Observed: 25 variant alleles. Not counted in ClinVar's aggregate classification.

Clinical Genetics DNA and cytogenetics Diagnostics Lab, Erasmus MC, Erasmus Medical Center
Classification: Pathogenic. Review status: no assertion criteria provided. Collection method: clinical testing. Allele origin: germline. Affected: yes. Study: VKGL Data-share Consensus. Not counted in ClinVar's aggregate classification.